The following is an entry in ClinVar:

ClinVar aggregate classification (germline): Likely pathogenic (1 of 4 stars; one submission).

Conditions:
Deficiency of alpha-mannosidase (MANSA). Also called: Mannosidosis, alpha-, types I and II; LYSOSOMAL ALPHA-D-MANNOSIDASE DEFICIENCY; Alpha-Mannosidosis. Identifiers: Orphanet 61, MedGen C0024748, MONDO:0009561, OMIM 248500.

Submission:

Myriad Genetics, Inc.
Classification: Likely pathogenic for Deficiency of alpha-mannosidase. Last evaluated: 2022-05-18. Review status: criteria provided, single submitter. Criteria: Myriad Women's Health Autosomal Recessive and X-Linked Classification Criteria (2021). Collection method: clinical testing. Allele origin: unknown.
Comment: NM_000528.3(MAN2B1):c.1360dupC(R454Pfs*63) is expected to be pathogenic in the context of alpha-mannosidosis. This variant is predicted to lead to an abnormal or absent protein product due to the creation of a premature termination codon in MAN2B1, a gene where loss-of-function variants are known to be pathogenic. Please note: this variant was assessed in the context of healthy population screening.

NM_000528.4(MAN2B1):c.1360dup (p.Arg454fs)

Genes: MAN2B1 (mannosidase alpha class 2B member 1; minus strand), LOC129391064 (MPRA-validated peak3365 silencer; plus strand). Cytogenetic location: 19p13.13.
Variant type: Duplication.
Coding change: c.1360dup on transcript NM_000528.4 (MANE Select); coding-DNA position 1360, one base duplicated (C; older notation c.1360dupC).
Protein change: p.Arg454fs; shifts the reading frame from arginine 454.
Molecular consequence: frameshift variant.
Genome position (GRCh38, 1-based): chr19:12,657,505, G duplicated on the plus strand (C on the coding strand, the reverse complement: MAN2B1 is on the minus strand); the first of 3 consecutive G bases (chr19:12,657,505-12,657,507); duplicating any one gives the same sequence. VCF-style (leftmost placement, unchanged base first): chr19-12657504-C-CG. GRCh37 (hg19) VCF-style: chr19-12768318-C-CG.
Other names: c.1357dup, p.Arg453fs (NM_001173498.2); short protein forms R453fs, R454fs.
Identifiers: ClinVar variation 1726101 (VCV001726101.2), dbSNP rs2512501621, ClinGen allele CA2580096509.